The following is an entry in ClinVar:

NM_006892.4(DNMT3B):c.935G>C (p.Arg312Pro)

Gene: DNMT3B (DNA methyltransferase 3 beta; plus strand). Cytogenetic location: 20q11.21.
Variant type: single nucleotide variant.
Coding change: c.935G>C on transcript NM_006892.4 (MANE Select); coding-DNA position 935, G replaced by C.
Protein change: p.Arg312Pro; replaces arginine 312 with proline.
Molecular consequence: missense variant.
Genome position (GRCh38, 1-based): chr20:32,792,639, G>C. VCF-style: chr20-32792639-G-C. GRCh37 (hg19) VCF-style: chr20-31380445-G-C.
Other names: c.809G>C, p.Arg270Pro (NM_001207055.2); c.707G>C, p.Arg236Pro (NM_001207056.2); c.935G>C, p.Arg312Pro (NM_175848.2, NM_175849.2); c.971G>C, p.Arg324Pro (NM_175850.3); short protein forms R236P, R270P, R312P, R324P.
Identifiers: ClinVar variation 1002277 (VCV001002277.7), dbSNP rs763435705, ClinGen allele CA408589232.
Genomic context (GRCh38, chr20:32,792,639, plus strand): 5'-GCACCTCCTCCCCACCCCCCCATTCATCACAGACTCTGCCTTTGCAGAAAGCTAGGGTGC[G>C]AGCTGGCAAGACCTTCCCCAGCAGCCCTGGAGACTCATTGGAGGACCAGCTGAAGCCCAT-3'
Protein context (NP_008823.1, residues 302-322): MYHALEKARV[Arg312Pro]AGKTFPSSPG

ClinVar aggregate classification (germline): Uncertain significance (1 of 4 stars; one submission).

Conditions:
Centromeric instability of chromosomes 1,9 and 16 and immunodeficiency (ICF1). Also called: Immunodeficiency-centromeric instability-facial anomalies; IMMUNE DEFICIENCY, VARIABLE, WITH CENTROMERIC INSTABILITY OF CHROMOSOMES 1, 9, AND 16; IMMUNODEFICIENCY SYNDROME, VARIABLE; CENTROMERIC INSTABILITY, IMMUNODEFICIENCY SYNDROME. Identifiers: Orphanet 2268, MedGen C0398788, MONDO:0000133.

Submission:

Labcorp Genetics (formerly Invitae), Labcorp
Classification: Uncertain significance for Centromeric instability of chromosomes 1,9 and 16 and immunodeficiency. Last evaluated: 2020-08-07. Review status: criteria provided, single submitter. Criteria: Invitae Variant Classification Sherloc (09022015). Collection method: clinical testing. Allele origin: germline.
Comment: In summary, the available evidence is currently insufficient to determine the role of this variant in disease. Therefore, it has been classified as a Variant of Uncertain Significance. Algorithms developed to predict the effect of missense changes on protein structure and function (SIFT, PolyPhen-2, Align-GVGD) all suggest that this variant is likely to be disruptive, but these predictions have not been confirmed by published functional studies and their clinical significance is uncertain. This variant has not been reported in the literature in individuals with DNMT3B-related conditions. This variant is not present in population databases (ExAC no frequency). This sequence change replaces arginine with proline at codon 312 of the DNMT3B protein (p.Arg312Pro). The arginine residue is highly conserved and there is a moderate physicochemical difference between arginine and proline.